The following is an entry in ClinVar:

ClinVar aggregate classification (germline): Uncertain significance (1 of 4 stars; one submission).

Allele frequency attached by ClinVar (database versions not stated): gnomAD exomes below 0.00001; ExAC 0.00001; gnomAD 0.00002; TOPMed 0.00002.
gnomAD v4.1: 10 of 1,613,974 alleles (0.00062%); highest among the groups gnomAD compares: African/African-American, 0.0013%; no homozygotes.

Submission:

Labcorp Genetics (formerly Invitae), Labcorp
Classification: Uncertain significance. Last evaluated: 2022-10-12. Review status: criteria provided, single submitter. Criteria: Invitae Variant Classification Sherloc (09022015). Collection method: clinical testing. Allele origin: germline.
Comment: In summary, the available evidence is currently insufficient to determine the role of this variant in disease. Therefore, it has been classified as a Variant of Uncertain Significance. Advanced modeling of protein sequence and biophysical properties (such as structural, functional, and spatial information, amino acid conservation, physicochemical variation, residue mobility, and thermodynamic stability) performed at Invitae indicates that this missense variant is not expected to disrupt TAB2 protein function. This variant has not been reported in the literature in individuals affected with TAB2-related conditions. This variant is present in population databases (rs746921297, gnomAD 0.0009%). This sequence change replaces arginine, which is basic and polar, with tryptophan, which is neutral and slightly polar, at codon 402 of the TAB2 protein (p.Arg402Trp).

NM_001292034.3(TAB2):c.1204C>T (p.Arg402Trp)

Genes: TAB2 (TGF-beta activated kinase 1 (MAP3K7) binding protein 2; plus strand), LOC126859827 (BRD4-independent group 4 enhancer GRCh37_chr6:149699707-149700906; plus strand). Cytogenetic location: 6q25.1.
Variant type: single nucleotide variant.
Coding change: c.1204C>T on transcript NM_001292034.3 (MANE Select); coding-DNA position 1204, C replaced by T.
Protein change: p.Arg402Trp; replaces arginine 402 with tryptophan.
Molecular consequence: missense variant.
Genome position (GRCh38, 1-based): chr6:149,379,119, C>T. VCF-style: chr6-149379119-C-T. GRCh37 (hg19) VCF-style: chr6-149700255-C-T.
Other names: c.1108C>T, p.Arg370Trp (NM_001292035.3); c.1204C>T, p.Arg402Trp (NM_001369506.1, NM_015093.6); short protein forms R370W, R402W.
Identifiers: ClinVar variation 1909136 (VCV001909136.5), dbSNP rs746921297, ClinGen allele CA4041509.